The following is an entry in ClinVar:

NM_024741.3(ZNF408):c.159_160insAAT (p.Ala53_Leu54insAsn)

Gene: ZNF408 (zinc finger protein 408; plus strand). Cytogenetic location: 11p11.2.
Variant type: Insertion.
Coding change: c.159_160insAAT on transcript NM_024741.3 (MANE Select); coding-DNA positions 159 to 160, AAT inserted.
Protein change: p.Ala53_Leu54insAsn.
Molecular consequence: inframe insertion.
Genome position: GRCh38 VCF-style: chr11-46701504-C-CTAA. GRCh37 (hg19) VCF-style: chr11-46723054-C-CTAA.
Other names: c.135_136insAAT, p.Ala45_Leu46insAsn (NM_001184751.2).
Identifiers: ClinVar variation 1421653 (VCV001421653.6), dbSNP rs781568434, ClinGen allele CA5966252.

ClinVar aggregate classification (germline): Uncertain significance (1 of 4 stars; one submission).

Submission:

Labcorp Genetics (formerly Invitae), Labcorp
Classification: Uncertain significance. Last evaluated: 2022-02-10. Review status: criteria provided, single submitter. Criteria: Invitae Variant Classification Sherloc (09022015). Collection method: clinical testing. Allele origin: germline.
Comment: In summary, the available evidence is currently insufficient to determine the role of this variant in disease. Therefore, it has been classified as a Variant of Uncertain Significance. Experimental studies and prediction algorithms are not available or were not evaluated, and the functional significance of this variant is currently unknown. This variant has not been reported in the literature in individuals affected with ZNF408-related conditions. This variant is present in population databases (rs781568434, gnomAD 0.007%). This variant, c.159_160insAAT, results in the insertion of 1 amino acid(s) of the ZNF408 protein (p.Ala53_Leu54insAsn), but otherwise preserves the integrity of the reading frame.